The following is an entry in ClinVar:

NM_001399.5(EDA):c.911A>G (p.Tyr304Cys)

Gene: EDA (ectodysplasin A; plus strand). Cytogenetic location: Xq13.1.
Variant type: single nucleotide variant.
Coding change: c.911A>G on transcript NM_001399.5 (MANE Select); coding-DNA position 911, A replaced by G.
Protein change: p.Tyr304Cys; replaces tyrosine 304 with cysteine.
Molecular consequence: missense variant. On other transcripts: intron variant (1).
Genome position (GRCh38, 1-based): chrX:70,033,515, A>G. VCF-style: chrX-70033515-A-G. GRCh37 (hg19) VCF-style: chrX-69253365-A-G.
Other names: c.911A>G, p.Tyr304Cys (NM_001005609.2); c.902A>G, p.Tyr301Cys (NM_001005612.3, NM_001440761.1); c.882+29A>G (NM_001440762.1); short protein forms Y301C, Y304C.
Identifiers: ClinVar variation 4710789 (VCV004710789.2).

ClinVar aggregate classification (germline): Pathogenic/Likely pathogenic. Review status: criteria provided, multiple submitters, no conflicts (2 of 4 stars). 2 submissions from 2 submitters: Pathogenic (1); Likely pathogenic (1). Last evaluated 2025-09-10.

Conditions:
Hypohidrotic X-linked ectodermal dysplasia (XHED). Also called: ECTODERMAL DYSPLASIA 1; Ectodermal Dysplasia 1, Anhidrotic; ECTODERMAL DYSPLASIA, HYPOHIDROTIC, 1; CST SYNDROME; Anhidrotic ectodermal dysplasia X-linked; Christ Siemens Touraine syndrome. Identifiers: Orphanet 181, Orphanet 238468, MedGen C0162359, MONDO:0010585, OMIM 305100.
EDA-related disorder. Also called: EDA-related condition; EDA-related disorders.

Submissions (2):

Labcorp Genetics (formerly Invitae), Labcorp
Classification: Likely pathogenic for Hypohidrotic X-linked ectodermal dysplasia. Last evaluated: 2025-09-10. Review status: criteria provided, single submitter. Criteria: Invitae Variant Classification Sherloc (09022015). Collection method: clinical testing. Allele origin: germline.
Comment: This sequence change replaces tyrosine, which is neutral and polar, with cysteine, which is neutral and slightly polar, at codon 304 of the EDA protein (p.Tyr304Cys). This variant is not present in population databases (gnomAD no frequency). This missense change has been observed in individual(s) with X-linked hypohidrotic ectodermal dysplasia (PMID: 17970812, 29694819, 31924237). Invitae Evidence Modeling of protein sequence and biophysical properties (such as structural, functional, and spatial information, amino acid conservation, physicochemical variation, residue mobility, and thermodynamic stability) has been performed for this missense variant. However, the output from this modeling did not meet the statistical confidence thresholds required to predict the impact of this variant on EDA protein function. Experimental studies have shown that this missense change affects EDA function (PMID: 29694819, 38287639). This variant disrupts the p.Tyr304 amino acid residue in EDA. Other variant(s) that disrupt this residue have been observed in individuals with EDA-related conditions (PMID: 24724966), which suggests that this may be a clinically significant amino acid residue. In summary, the currently available evidence indicates that the variant is pathogenic, but additional data are needed to prove that conclusively. Therefore, this variant has been classified as Likely Pathogenic.

Blueprint Genetics
Classification: Pathogenic for EDA-related disorders. Last evaluated: 2023-12-21. Review status: criteria provided, single submitter. Criteria: ACMG Guidelines, 2015. Collection method: clinical testing. Allele origin: germline. Affected: yes. Observed: 1 variant allele.

Literature cited by the submitters: PubMed 17970812 (cited by Labcorp Genetics (formerly Invitae), Labcorp); PubMed 29694819 (cited by Labcorp Genetics (formerly Invitae), Labcorp); PubMed 31924237 (cited by Labcorp Genetics (formerly Invitae), Labcorp); PubMed 38287639 (cited by Labcorp Genetics (formerly Invitae), Labcorp); PubMed 24724966 (cited by Labcorp Genetics (formerly Invitae), Labcorp).